The following is an entry in ClinVar:

NM_003476.5(CSRP3):c.256G>A (p.Glu86Lys)

Gene: CSRP3 (cysteine and glycine rich protein 3; minus strand). Cytogenetic location: 11p15.1.
Variant type: single nucleotide variant.
Coding change: c.256G>A on transcript NM_003476.5 (MANE Select); coding-DNA position 256, G replaced by A.
Protein change: p.Glu86Lys; replaces glutamic acid 86 with lysine.
Molecular consequence: missense variant. On other transcripts: intron variant (1).
Genome position (GRCh38, 1-based): chr11:19,188,161, C>T on the plus strand (G>A on the coding strand, the complement: CSRP3 is on the minus strand). VCF-style: chr11-19188161-C-T. GRCh37 (hg19) VCF-style: chr11-19209708-C-T.
Other names: c.113-1813G>A (NM_001369404.1); short protein forms E86K.
Identifiers: ClinVar variation 239540 (VCV000239540.16), dbSNP rs780917755, ClinGen allele CA5916607.

ClinVar aggregate classification (germline): Uncertain significance. Review status: criteria provided, multiple submitters, no conflicts (2 of 4 stars). 4 submissions from 4 submitters: Uncertain significance (4). Last evaluated 2026-09-15.

Conditions:
CSRP3-related disorder. Also called: CSRP3-related condition; CSRP3-related disorders.
Cardiovascular phenotype. Identifiers: MedGen CN230736.
Hypertrophic cardiomyopathy 12. Identifiers: MedGen C2677491, MONDO:0012804, OMIM 612124.
Dilated cardiomyopathy 1M (CMD1M). Identifiers: Orphanet 154, MedGen C1843808, MONDO:0011840, OMIM 607482.

Allele frequency attached by ClinVar (database versions not stated): ExAC 0.00001; gnomAD exomes 0.00001 and 0.00003; TOPMed 0.00002.

Submissions (4):

PreventionGenetics, part of Exact Sciences
Classification: Uncertain significance for CSRP3-related condition. Last evaluated: 2026-09-15. Review status: criteria provided, single submitter. Criteria: ACMG Guidelines, 2015. Collection method: clinical testing. Allele origin: germline.
Comment: The CSRP3 c.256G>A variant is predicted to result in the amino acid substitution p.Glu86Lys. To our knowledge, this variant has not been reported in the literature. This variant is reported in 0.014% of alleles in individuals of Latino descent in gnomAD. At this time, the clinical significance of this variant is uncertain due to the absence of conclusive functional and genetic evidence.

Ambry Genetics
Classification: Uncertain significance for Cardiovascular phenotype. Last evaluated: 2025-11-25. Review status: criteria provided, single submitter. Criteria: Ambry Variant Classification Scheme 2023. Collection method: clinical testing. Allele origin: germline.
Comment: The p.E86K variant (also known as c.256G>A), located in coding exon 2 of the CSRP3 gene, results from a G to A substitution at nucleotide position 256. The glutamic acid at codon 86 is replaced by lysine, an amino acid with similar properties. This amino acid position is conserved. In addition, this alteration is predicted to be tolerated by in silico analysis. Since supporting evidence is limited at this time, the clinical significance of this alteration remains unclear.

Labcorp Genetics (formerly Invitae), Labcorp
Classification: Uncertain significance for Hypertrophic cardiomyopathy 12; Dilated cardiomyopathy 1M. Last evaluated: 2024-12-02. Review status: criteria provided, single submitter. Criteria: Invitae Variant Classification Sherloc (09022015). Collection method: clinical testing. Allele origin: germline.
Comment: This sequence change replaces glutamic acid, which is acidic and polar, with lysine, which is basic and polar, at codon 86 of the CSRP3 protein (p.Glu86Lys). This variant is present in population databases (rs780917755, gnomAD 0.01%). This variant has not been reported in the literature in individuals affected with CSRP3-related conditions. ClinVar contains an entry for this variant (Variation ID: 239540). An algorithm developed to predict the effect of missense changes on protein structure and function (PolyPhen-2) suggests that this variant¬¨‚Ä†is likely to be tolerated. In summary, the available evidence is currently insufficient to determine the role of this variant in disease. Therefore, it has been classified as a Variant of Uncertain Significance.

GeneDx
Classification: Uncertain significance. Last evaluated: 2020-09-29. Review status: criteria provided, single submitter. Criteria: GeneDx Variant Classification Process June 2021. Collection method: clinical testing. Allele origin: germline. Affected: yes.
Comment: Has not been previously published as pathogenic or benign to our knowledge; In silico analysis supports that this missense variant does not alter protein structure/function; Reported in ClinVar as a variant of uncertain significance (ClinVar Variant ID# 239540; Landrum et al., 2016)